The following is an entry in ClinVar:

NM_001378454.1(ALMS1):c.1634C>G (p.Thr545Ser)

Gene: ALMS1 (ALMS1 centrosome and basal body associated protein; plus strand). Cytogenetic location: 2p13.1.
Variant type: single nucleotide variant.
Coding change: c.1634C>G on transcript NM_001378454.1 (MANE Select); coding-DNA position 1634, C replaced by G.
Protein change: p.Thr545Ser; replaces threonine 545 with serine.
Molecular consequence: missense variant.
Genome position (GRCh38, 1-based): chr2:73,448,161, C>G. VCF-style: chr2-73448161-C-G. GRCh37 (hg19) VCF-style: chr2-73675288-C-G.
Other names: c.1637C>G, p.Thr546Ser (NM_015120.4); short protein forms T545S, T546S.
Identifiers: ClinVar variation 3626762 (VCV003626762.3).

ClinVar aggregate classification (germline): Uncertain significance. Review status: criteria provided, multiple submitters, no conflicts (2 of 4 stars). 2 submissions from 2 submitters: Uncertain significance (2). Last evaluated 2025-01-13.

Conditions:
Alstrom syndrome (ALMS). Identifiers: Orphanet 64, MedGen C0268425, MONDO:0008763, OMIM 203800.

gnomAD v4.1: 8 of 1,613,902 alleles (0.0005%); highest among the groups gnomAD compares: East Asian, 0.018%; no homozygotes.

Submissions (2):

Labcorp Genetics (formerly Invitae), Labcorp
Classification: Uncertain significance for Alstrom syndrome. Last evaluated: 2025-01-13. Review status: criteria provided, single submitter. Criteria: Invitae Variant Classification Sherloc (09022015). Collection method: clinical testing. Allele origin: germline.
Comment: This sequence change replaces threonine, which is neutral and polar, with serine, which is neutral and polar, at codon 546 of the ALMS1 protein (p.Thr546Ser). This variant is not present in population databases (gnomAD no frequency). This variant has not been reported in the literature in individuals affected with ALMS1-related conditions. An algorithm developed to predict the effect of missense changes on protein structure and function outputs the following: PolyPhen-2: "Not Available". The serine amino acid residue is found in multiple mammalian species, which suggests that this missense change does not adversely affect protein function. In summary, the available evidence is currently insufficient to determine the role of this variant in disease. Therefore, it has been classified as a Variant of Uncertain Significance.

Blueprint Genetics
Classification: Uncertain significance. Last evaluated: 2019-11-11. Review status: criteria provided, single submitter. Criteria: ACMG Guidelines, 2015. Collection method: clinical testing. Allele origin: germline.